The following is an entry in ClinVar:

ClinVar aggregate classification (germline): Uncertain significance. Review status: criteria provided, multiple submitters, no conflicts (2 of 4 stars). 2 submissions from 2 submitters: Uncertain significance (2). Last evaluated 2025-02-28.

Conditions:
Hereditary cancer-predisposing syndrome. Also called: Neoplastic Syndromes, Hereditary; Tumor predisposition; Hereditary Cancer Syndrome; Hereditary neoplastic syndrome. Identifiers: Orphanet 140162, MedGen C0027672, MeSH D009386, MONDO:0015356.
Retinoblastoma (RB1). Also called: RETINOBLASTOMA, SOMATIC. Identifiers: Orphanet 790, MedGen C0035335, MeSH D012175, MONDO:0008380, OMIM 180200, HP:0009919. Disease mechanism: loss of function. Inheritance: Both sporadic and heritable forms are tested..

Submissions (2):

Ambry Genetics
Classification: Uncertain significance for Hereditary cancer-predisposing syndrome. Last evaluated: 2025-02-28. Review status: criteria provided, single submitter. Criteria: Ambry Variant Classification Scheme 2023. Collection method: clinical testing. Allele origin: germline.
Comment: The p.D571V variant (also known as c.1712A>T), located in coding exon 18 of the RB1 gene, results from an A to T substitution at nucleotide position 1712. The aspartic acid at codon 571 is replaced by valine, an amino acid with highly dissimilar properties. This amino acid position is highly conserved in available vertebrate species. In addition, this alteration is predicted to be deleterious by in silico analysis. Based on the available evidence, the clinical significance of this variant remains unclear.

Labcorp Genetics (formerly Invitae), Labcorp
Classification: Uncertain significance for Retinoblastoma. Last evaluated: 2023-10-22. Review status: criteria provided, single submitter. Criteria: Invitae Variant Classification Sherloc (09022015). Collection method: clinical testing. Allele origin: germline.
Comment: This sequence change replaces aspartic acid, which is acidic and polar, with valine, which is neutral and non-polar, at codon 571 of the RB1 protein (p.Asp571Val). This variant is not present in population databases (gnomAD no frequency). This variant has not been reported in the literature in individuals affected with RB1-related conditions. ClinVar contains an entry for this variant (Variation ID: 1778584). Advanced modeling of protein sequence and biophysical properties (such as structural, functional, and spatial information, amino acid conservation, physicochemical variation, residue mobility, and thermodynamic stability) performed at Invitae indicates that this missense variant is not expected to disrupt RB1 protein function. In summary, the available evidence is currently insufficient to determine the role of this variant in disease. Therefore, it has been classified as a Variant of Uncertain Significance.

NM_000321.3(RB1):c.1712A>T (p.Asp571Val)

Gene: RB1 (RB transcriptional corepressor 1; plus strand). Cytogenetic location: 13q14.2.
Variant type: single nucleotide variant.
Coding change: c.1712A>T on transcript NM_000321.3 (MANE Select); coding-DNA position 1712, A replaced by T.
Protein change: p.Asp571Val; replaces aspartic acid 571 with valine.
Molecular consequence: missense variant.
Genome position (GRCh38, 1-based): chr13:48,453,009, A>T. VCF-style: chr13-48453009-A-T. GRCh37 (hg19) VCF-style: chr13-49027145-A-T.
Other names: c.1712A>T, p.Asp571Val (NM_001407165.1); short protein forms D571V.
Identifiers: ClinVar variation 1778584 (VCV001778584.6), dbSNP rs2138327023, ClinGen allele CA388165457.